The following is an entry in ClinVar:

NM_014822.4(SEC24D):c.730G>C (p.Gly244Arg)

Gene: SEC24D (SEC24 homolog D, COPII component; minus strand). Cytogenetic location: 4q26.
Variant type: single nucleotide variant.
Coding change: c.730G>C on transcript NM_014822.4 (MANE Select); coding-DNA position 730, G replaced by C.
Protein change: p.Gly244Arg; replaces glycine 244 with arginine.
Molecular consequence: missense variant.
Genome position (GRCh38, 1-based): chr4:118,815,099, C>G on the plus strand (G>C on the coding strand, the complement: SEC24D is on the minus strand). VCF-style: chr4-118815099-C-G. GRCh37 (hg19) VCF-style: chr4-119736254-C-G.
Other names: c.733G>C, p.Gly245Arg (NM_001318066.2); short protein forms G244R, G245R.
Identifiers: ClinVar variation 1714357 (VCV001714357.5), dbSNP rs2530244852, ClinGen allele CA358015230.

ClinVar aggregate classification (germline): Uncertain significance (1 of 4 stars; one submission).

Submission:

Labcorp Genetics (formerly Invitae), Labcorp
Classification: Uncertain significance. Last evaluated: 2022-07-30. Review status: criteria provided, single submitter. Criteria: Invitae Variant Classification Sherloc (09022015). Collection method: clinical testing. Allele origin: germline.
Comment: This sequence change replaces glycine, which is neutral and non-polar, with arginine, which is basic and polar, at codon 244 of the SEC24D protein (p.Gly244Arg). This variant is not present in population databases (gnomAD no frequency). This variant has not been reported in the literature in individuals affected with SEC24D-related conditions. Algorithms developed to predict the effect of missense changes on protein structure and function are either unavailable or do not agree on the potential impact of this missense change (SIFT: "Not Available"; PolyPhen-2: "Possibly Damaging"; Align-GVGD: "Not Available"). In summary, the available evidence is currently insufficient to determine the role of this variant in disease. Therefore, it has been classified as a Variant of Uncertain Significance.